The following is an entry in ClinVar:

NM_000466.3(PEX1):c.458T>C (p.Ile153Thr)

Gene: PEX1 (peroxisomal biogenesis factor 1; minus strand). Cytogenetic location: 7q21.2.
Variant type: single nucleotide variant.
Coding change: c.458T>C on transcript NM_000466.3 (MANE Select); coding-DNA position 458, T replaced by C.
Protein change: p.Ile153Thr; replaces isoleucine 153 with threonine.
Molecular consequence: missense variant. On other transcripts: 5 prime UTR variant (1).
Genome position (GRCh38, 1-based): chr7:92,518,155, A>G on the plus strand (T>C on the coding strand, the complement: PEX1 is on the minus strand). VCF-style: chr7-92518155-A-G. GRCh37 (hg19) VCF-style: chr7-92147469-A-G.
Other names: c.458T>C, p.Ile153Thr (NM_001282677.2); c.-167T>C (NM_001282678.2); short protein forms I153T.
Identifiers: ClinVar variation 1479352 (VCV001479352.6), dbSNP rs760942926, ClinGen allele CA4341605.

ClinVar aggregate classification (germline): Uncertain significance (1 of 4 stars; one submission).

Conditions:
Zellweger spectrum disorders (ZS). Also called: Zellweger Spectrum Disorder; Zellweger Spectrum; Zellweger syndrome; Zellweger Spectrum Disorder (ZSD). Identifiers: Orphanet 912, MedGen C0043459, MONDO:0019609.

Allele frequency attached by ClinVar (database versions not stated): gnomAD exomes below 0.00001; ExAC 0.00001; gnomAD 0.00001.
gnomAD v4.1: 1 of 1,610,762 alleles (0.000062%); highest among the groups gnomAD compares: Non-Finnish European, 0.000085%; no homozygotes.

Submission:

Labcorp Genetics (formerly Invitae), Labcorp
Classification: Uncertain significance for Zellweger spectrum disorders. Last evaluated: 2021-11-08. Review status: criteria provided, single submitter. Criteria: Invitae Variant Classification Sherloc (09022015). Collection method: clinical testing. Allele origin: germline.
Comment: This sequence change replaces isoleucine, which is neutral and non-polar, with threonine, which is neutral and polar, at codon 153 of the PEX1 protein (p.Ile153Thr). This variant is not present in population databases (gnomAD no frequency). This variant has not been reported in the literature in individuals affected with PEX1-related conditions. Algorithms developed to predict the effect of missense changes on protein structure and function are either unavailable or do not agree on the potential impact of this missense change (SIFT: "Tolerated"; PolyPhen-2: "Possibly Damaging"; Align-GVGD: "Class C0"). In summary, the available evidence is currently insufficient to determine the role of this variant in disease. Therefore, it has been classified as a Variant of Uncertain Significance.